The following is an entry in ClinVar:

ClinVar aggregate classification (germline): Likely benign. Review status: criteria provided, multiple submitters, no conflicts (2 of 4 stars). 2 submissions from 2 submitters: Likely benign (2). Last evaluated 2026-05-12.

Conditions:
Neurofibromatosis, type 1 (NF1). Also called: VON RECKLINGHAUSEN DISEASE; NEUROFIBROMATOSIS, TYPE I, SOMATIC; Neurofibromatosis, type I; Peripheral type neurofibromatosis. Identifiers: Orphanet 636, MedGen C0027831, MONDO:0018975, OMIM 162200. Disease mechanism: loss of function.

Allele frequency attached by ClinVar (database versions not stated): gnomAD exomes 0.00002 and 0.00005; gnomAD 0.00001; ExAC 0.00008.
gnomAD v4.1: 33 of 1,613,262 alleles (0.002%); highest among the groups gnomAD compares: South Asian, 0.034%; no homozygotes.

Submissions (2):

Myriad Genetics, Inc.
Classification: Likely benign for Neurofibromatosis, type 1. Last evaluated: 2026-05-12. Review status: criteria provided, single submitter. Criteria: Myriad Autosomal Dominant, Autosomal Recessive and X-Linked Classification Criteria (2023). Collection method: clinical testing. Allele origin: unknown.
Comment: This variant is considered likely benign. This variant is intronic and is not expected to impact mRNA splicing.

Labcorp Genetics (formerly Invitae), Labcorp
Classification: Likely benign for Neurofibromatosis, type 1. Last evaluated: 2025-09-23. Review status: criteria provided, single submitter. Criteria: Invitae Variant Classification Sherloc (09022015). Collection method: clinical testing. Allele origin: germline.

NM_001042492.3(NF1):c.2326-13G>C

Gene: NF1 (neurofibromin 1; plus strand). Cytogenetic location: 17q11.2.
Variant type: single nucleotide variant.
Coding change: c.2326-13G>C on transcript NM_001042492.3 (MANE Select); 13 bases into the intron before coding-DNA position 2326, G replaced by C.
Molecular consequence: intron variant.
Genome position (GRCh38, 1-based): chr17:31,227,510, G>C. VCF-style: chr17-31227510-G-C. GRCh37 (hg19) VCF-style: chr17-29554528-G-C.
Other names: c.2326-13G>C (NM_000267.4).
Identifiers: ClinVar variation 1615616 (VCV001615616.9), dbSNP rs770203564, ClinGen allele CA8485963.